The following is an entry in ClinVar:

NM_014795.4(ZEB2):c.917-3T>C

Gene: ZEB2 (zinc finger E-box binding homeobox 2; minus strand). Cytogenetic location: 2q22.3.
Variant type: single nucleotide variant.
Coding change: c.917-3T>C on transcript NM_014795.4 (MANE Select); 3 bases into the intron before coding-DNA position 917, T replaced by C.
Molecular consequence: intron variant.
Genome position (GRCh38, 1-based): chr2:144,400,273, A>G on the plus strand (T>C on the coding strand, the complement: ZEB2 is on the minus strand). VCF-style: chr2-144400273-A-G. GRCh37 (hg19) VCF-style: chr2-145157840-A-G.
Other names: c.845-3T>C (NM_001171653.2).
Identifiers: ClinVar variation 4765879 (VCV004765879.1).

ClinVar aggregate classification (germline): Uncertain significance (1 of 4 stars; one submission).

Conditions:
Mowat-Wilson syndrome (MOWS). Also called: Classic Mowat-Wilson Syndrome. Identifiers: Orphanet 2152, MedGen C1856113, MONDO:0009341, OMIM 235730.

gnomAD v4.1: 7 of 1,607,262 alleles (0.00044%); highest among the groups gnomAD compares: Non-Finnish European, 0.00051%; no homozygotes.

Submission:

Labcorp Genetics (formerly Invitae), Labcorp
Classification: Uncertain significance for Mowat-Wilson syndrome. Last evaluated: 2025-04-08. Review status: criteria provided, single submitter. Criteria: Invitae Variant Classification Sherloc (09022015). Collection method: clinical testing. Allele origin: germline.
Comment: This sequence change falls in intron 7 of the ZEB2 gene. It does not directly change the encoded amino acid sequence of the ZEB2 protein. It affects a nucleotide within the consensus splice site. This variant is present in population databases (rs772266839, gnomAD 0.0009%). This variant has not been reported in the literature in individuals affected with ZEB2-related conditions. Variants that disrupt the consensus splice site are a relatively common cause of aberrant splicing (PMID: 17576681, 9536098). Algorithms developed to predict the effect of sequence changes on RNA splicing suggest that this variant is not likely to affect RNA splicing. In summary, the available evidence is currently insufficient to determine the role of this variant in disease. Therefore, it has been classified as a Variant of Uncertain Significance.

Literature cited by the submitters: PubMed 17576681; PubMed 9536098.